The following is an entry in ClinVar:

ClinVar aggregate classification (germline): Conflicting classifications of pathogenicity. Review status: criteria provided, conflicting classifications (1 of 4 stars). 2 submissions from 2 submitters: Pathogenic (1); Uncertain significance (1). Last evaluated 2024-01-08.

Conditions:
Catecholaminergic polymorphic ventricular tachycardia 1. Also called: VENTRICULAR TACHYCARDIA, CATECHOLAMINERGIC POLYMORPHIC, 1, WITH OR WITHOUT ATRIAL DYSFUNCTION AND/OR DILATED CARDIOMYOPATHY; VENTRICULAR TACHYCARDIA, STRESS-INDUCED POLYMORPHIC 1; RYR2-Related Catecholaminergic Polymorphic Ventricular Tachycardia. Identifiers: Orphanet 3286, MedGen C1631597, MONDO:0011484, OMIM 604772.

Submissions (2):

Labcorp Genetics (formerly Invitae), Labcorp
Classification: Pathogenic for Catecholaminergic polymorphic ventricular tachycardia 1. Last evaluated: 2024-01-08. Review status: criteria provided, single submitter. Criteria: Invitae Variant Classification Sherloc (09022015). Collection method: clinical testing. Allele origin: germline.
Comment: This sequence change replaces glycine, which is neutral and non-polar, with serine, which is neutral and polar, at codon 4904 of the RYR2 protein (p.Gly4904Ser). This variant is not present in population databases (gnomAD no frequency). This missense change has been observed in individual(s) with catecholaminergic polymorphic ventricular tachycardia (Invitae). In at least one individual the variant was observed to be de novo. ClinVar contains an entry for this variant (Variation ID: 1479669). Advanced modeling of protein sequence and biophysical properties (such as structural, functional, and spatial information, amino acid conservation, physicochemical variation, residue mobility, and thermodynamic stability) performed at Invitae indicates that this missense variant is expected to disrupt RYR2 protein function with a positive predictive value of 95%. For these reasons, this variant has been classified as Pathogenic.

Blueprint Genetics
Classification: Uncertain significance. Last evaluated: 2020-04-22. Review status: criteria provided, single submitter. Criteria: ACMG Guidelines, 2015. Collection method: clinical testing. Allele origin: germline.

NM_001035.3(RYR2):c.14710G>A (p.Gly4904Ser)

Gene: RYR2 (ryanodine receptor 2; plus strand). Cytogenetic location: 1q43.
Variant type: single nucleotide variant.
Coding change: c.14710G>A on transcript NM_001035.3 (MANE Select); coding-DNA position 14710, G replaced by A.
Protein change: p.Gly4904Ser; replaces glycine 4904 with serine.
Molecular consequence: missense variant.
Genome position (GRCh38, 1-based): chr1:237,830,584, G>A. VCF-style: chr1-237830584-G-A. GRCh37 (hg19) VCF-style: chr1-237993884-G-A.
Other names: short protein forms G4904S.
Identifiers: ClinVar variation 1479669 (VCV001479669.8), dbSNP rs2102947297, ClinGen allele CA345409747.